The following is an entry in ClinVar:

NM_001365536.1(SCN9A):c.1369G>A (p.Gly457Ser)

Genes: SCN1A-AS1 (SCN1A and SCN9A antisense RNA 1; plus strand), SCN9A (sodium voltage-gated channel alpha subunit 9; minus strand). Cytogenetic location: 2q24.3.
Variant type: single nucleotide variant.
Coding change: c.1369G>A on transcript NM_001365536.1 (MANE Select); coding-DNA position 1369, G replaced by A.
Protein change: p.Gly457Ser; replaces glycine 457 with serine.
Molecular consequence: missense variant.
Genome position (GRCh38, 1-based): chr2:166,286,569, C>T on the plus strand (G>A on the coding strand, the complement: SCN9A is on the minus strand). VCF-style: chr2-166286569-C-T. GRCh37 (hg19) VCF-style: chr2-167143079-C-T.
Other names: c.1369G>A, p.Gly457Ser (NM_002977.4); short protein forms G457S.
Identifiers: ClinVar variation 3390810 (VCV003390810.3).

ClinVar aggregate classification (germline): Uncertain significance. Review status: criteria provided, multiple submitters, no conflicts (2 of 4 stars). 2 submissions from 2 submitters: Uncertain significance (2). Last evaluated 2025-11-26.

Conditions:
Neuropathy, hereditary sensory and autonomic, type 2A (HSAN2A). Also called: ACROOSTEOLYSIS, GIACCAI TYPE; ACROOSTEOLYSIS, NEUROGENIC; HSAN IIA; MORVAN DISEASE; NEUROPATHY, CONGENITAL SENSORY; NEUROPATHY, HEREDITARY SENSORY RADICULAR, AUTOSOMAL RECESSIVE. Identifiers: Orphanet 970, MedGen C2752089, MONDO:0024309, OMIM 201300.
Generalized epilepsy with febrile seizures plus, type 7 (GEFSP7). Also called: GEFS+, TYPE 7. Identifiers: Orphanet 36387, MedGen C2751778, MONDO:0013470, OMIM 613863.

Submissions (2):

GeneDx
Classification: Uncertain significance. Last evaluated: 2025-11-26. Review status: criteria provided, single submitter. Criteria: GeneDx Variant Classification Process June 2021. Collection method: clinical testing. Allele origin: germline.
Comment: Not observed at significant frequency in large population cohorts (gnomAD); In silico analysis supports that this missense variant has a deleterious effect on protein structure/function; Has not been previously published as pathogenic or benign to our knowledge

Labcorp Genetics (formerly Invitae), Labcorp
Classification: Uncertain significance for Neuropathy, hereditary sensory and autonomic, type 2A; Generalized epilepsy with febrile seizures plus, type 7. Last evaluated: 2025-11-26. Review status: criteria provided, single submitter. Criteria: Invitae Variant Classification Sherloc (09022015). Collection method: clinical testing. Allele origin: germline.
Comment: This sequence change replaces glycine, which is neutral and non-polar, with serine, which is neutral and polar, at codon 457 of the SCN9A protein (p.Gly457Ser). This variant is not present in population databases (gnomAD no frequency). This variant has not been reported in the literature in individuals affected with SCN9A-related conditions. ClinVar contains an entry for this variant (Variation ID: 3390810). Invitae Evidence Modeling of protein sequence and biophysical properties (such as structural, functional, and spatial information, amino acid conservation, physicochemical variation, residue mobility, and thermodynamic stability) indicates that this missense variant is not expected to disrupt SCN9A protein function with a negative predictive value of 95%. In summary, the available evidence is currently insufficient to determine the role of this variant in disease. Therefore, it has been classified as a Variant of Uncertain Significance.